The following is an entry in ClinVar:

NM_020461.4(TUBGCP6):c.2939C>T (p.Ser980Leu)

Gene: TUBGCP6 (tubulin gamma complex component 6; minus strand). Cytogenetic location: 22q13.33.
Variant type: single nucleotide variant.
Coding change: c.2939C>T on transcript NM_020461.4 (MANE Select); coding-DNA position 2939, C replaced by T.
Protein change: p.Ser980Leu; replaces serine 980 with leucine.
Molecular consequence: missense variant.
Genome position (GRCh38, 1-based): chr22:50,221,420, G>A on the plus strand (C>T on the coding strand, the complement: TUBGCP6 is on the minus strand). VCF-style: chr22-50221420-G-A. GRCh37 (hg19) VCF-style: chr22-50659849-G-A.
Other names: short protein forms S980L.
Identifiers: ClinVar variation 1359137 (VCV001359137.3), dbSNP rs748016341, ClinGen allele CA10308086.
Genomic context (GRCh38, chr22:50,221,420, plus strand): 5'-CGCGAGGCGGAGCCACAGGCATCCATCTTCCCACAACTGTCCTCCCACAGCTGTAGCCCT[G>A]AGCTGCCCAAGCTGCACTCTGCAGCCTGCAGGGGCCCTGGTGCAGGTGAGGTGGCCACAG-3'
Protein context (NP_065194.3, residues 970-990): LQAAECSLGS[Ser980Leu]GLQLWEDSCG

ClinVar aggregate classification (germline): Uncertain significance (1 of 4 stars; one submission).

Allele frequency attached by ClinVar (database versions not stated): ExAC 0.00001; gnomAD exomes 0.00002 and 0.00003; gnomAD 0.00003; TOPMed 0.00003.
gnomAD v4.1: 46 of 1,602,578 alleles (0.0029%); highest among the groups gnomAD compares: Non-Finnish European, 0.0037%; no homozygotes.

Submission:

Labcorp Genetics (formerly Invitae), Labcorp
Classification: Uncertain significance. Last evaluated: 2022-08-22. Review status: criteria provided, single submitter. Criteria: Invitae Variant Classification Sherloc (09022015). Collection method: clinical testing. Allele origin: germline.
Comment: This sequence change replaces serine, which is neutral and polar, with leucine, which is neutral and non-polar, at codon 980 of the TUBGCP6 protein (p.Ser980Leu). This variant is present in population databases (rs748016341, gnomAD 0.003%). This variant has not been reported in the literature in individuals affected with TUBGCP6-related conditions. ClinVar contains an entry for this variant (Variation ID: 1359137). Algorithms developed to predict the effect of missense changes on protein structure and function are either unavailable or do not agree on the potential impact of this missense change (SIFT: "Deleterious"; PolyPhen-2: "Benign"; Align-GVGD: "Class C0"). In summary, the available evidence is currently insufficient to determine the role of this variant in disease. Therefore, it has been classified as a Variant of Uncertain Significance.